The following is an entry in ClinVar:

ClinVar aggregate classification (germline): Conflicting classifications of pathogenicity. Review status: criteria provided, conflicting classifications (1 of 4 stars). 3 submissions from 3 submitters: Pathogenic (1); Likely pathogenic (1); Uncertain significance (1). Last evaluated 2024-09-16.

Conditions:
Charcot-Marie-Tooth disease, type I (CMT1). Also called: Charcot-Marie-Tooth disease type 1; Charcot-Marie-Tooth, Type 1. Identifiers: Orphanet 65753, MedGen C0751036, MONDO:0019011.

Submissions (3):

Women's Health and Genetics/Laboratory Corporation of America, LabCorp
Classification: Uncertain significance. Last evaluated: 2024-09-16. Review status: criteria provided, single submitter. Criteria: LabCorp Variant Classification Summary - May 2015. Collection method: clinical testing. Allele origin: germline.
Comment: Variant summary: PMP22 c.308A>G (p.Gln103Arg) results in a conservative amino acid change in the encoded protein sequence. Three of five in-silico tools predict a damaging effect of the variant on protein function. The variant was absent in 251492 control chromosomes. The available data on variant occurrences in the general population are insufficient to allow any conclusion about variant significance. To our knowledge, no occurrence of c.308A>G in individuals affected with PMP22-Related Disorders and no experimental evidence demonstrating its impact on protein function have been reported. ClinVar contains an entry for this variant (Variation ID: 188095). Based on the evidence outlined above, the variant was classified as uncertain significance.

GeneDx
Classification: Likely pathogenic. Last evaluated: 2023-01-06. Review status: criteria provided, single submitter. Criteria: GeneDx Variant Classification Process June 2021. Collection method: clinical testing. Allele origin: germline. Affected: yes.
Comment: Not observed at significant frequency in large population cohorts (gnomAD); In silico analysis supports that this missense variant has a deleterious effect on protein structure/function; Has not been previously published as pathogenic or benign to our knowledge

Labcorp Genetics (formerly Invitae), Labcorp
Classification: Pathogenic for Charcot-Marie-Tooth disease, type I. Last evaluated: 2022-09-15. Review status: criteria provided, single submitter. Criteria: Invitae Variant Classification Sherloc (09022015). Collection method: clinical testing. Allele origin: germline.
Comment: For these reasons, this variant has been classified as Pathogenic. This sequence change replaces glutamine, which is neutral and polar, with arginine, which is basic and polar, at codon 103 of the PMP22 protein (p.Gln103Arg). This variant is not present in population databases (gnomAD no frequency). This missense change has been observed in individual(s) with clinical features of PMP22-related conditions (Invitae). In at least one individual the variant was observed to be de novo. ClinVar contains an entry for this variant (Variation ID: 188095). Advanced modeling of protein sequence and biophysical properties (such as structural, functional, and spatial information, amino acid conservation, physicochemical variation, residue mobility, and thermodynamic stability) performed at Invitae indicates that this missense variant is expected to disrupt PMP22 protein function.

NM_000304.4(PMP22):c.308A>G (p.Gln103Arg)

Gene: PMP22 (peripheral myelin protein 22; minus strand). Cytogenetic location: 17p12.
Variant type: single nucleotide variant.
Coding change: c.308A>G on transcript NM_000304.4 (MANE Select); coding-DNA position 308, A replaced by G.
Protein change: p.Gln103Arg; replaces glutamine 103 with arginine.
Molecular consequence: missense variant. On other transcripts: non-coding transcript variant (2).
Genome position (GRCh38, 1-based): chr17:15,239,482, T>C on the plus strand (A>G on the coding strand, the complement: PMP22 is on the minus strand). VCF-style: chr17-15239482-T-C. GRCh37 (hg19) VCF-style: chr17-15142799-T-C.
Other names: c.308A>G, p.Gln103Arg (NM_001281455.2, NM_001281456.2, NM_001330143.2 and 2 more transcripts); short protein forms Q103R.
Identifiers: ClinVar variation 188095 (VCV000188095.8), dbSNP rs786204064, ClinGen allele CA334032.